The following is an entry in ClinVar:

NM_001875.5(CPS1):c.2959+5A>G

Gene: CPS1 (carbamoyl-phosphate synthase 1; plus strand). Cytogenetic location: 2q34.
Variant type: single nucleotide variant.
Coding change: c.2959+5A>G on transcript NM_001875.5 (MANE Select); 5 bases into the intron after coding-DNA position 2959, A replaced by G.
Molecular consequence: intron variant.
Genome position (GRCh38, 1-based): chr2:210,640,064, A>G. VCF-style: chr2-210640064-A-G. GRCh37 (hg19) VCF-style: chr2-211504788-A-G.
Other names: c.2959+5A>G (NM_001369257.1, NM_001122633.3); c.2992+5A>G (NM_001369256.1).
Identifiers: ClinVar variation 1466726 (VCV001466726.6), dbSNP rs745778375, ClinGen allele CA2086806.

ClinVar aggregate classification (germline): Uncertain significance (1 of 4 stars; one submission).

Conditions:
Congenital hyperammonemia, type I. Also called: Carbamoyl phosphate synthetase 1 deficiency; Hyperammonemia due to carbamoyl phosphate synthetase 1 deficiency; CPS 1 deficiency; Carbamyl phosphate synthetase (CPS) deficiency; CPS I DEFICIENCY; Carbamoyl phosphate synthetase I deficiency disease. Identifiers: Orphanet 147, MedGen C4082171, MONDO:0009376, OMIM 237300.

Allele frequency attached by ClinVar (database versions not stated): gnomAD exomes below 0.00001; ExAC 0.00001.
gnomAD v4.1: 1 of 1,573,282 alleles (0.000064%); highest among the groups gnomAD compares: Non-Finnish European, 0.000087%; no homozygotes.

Submission:

Labcorp Genetics (formerly Invitae), Labcorp
Classification: Uncertain significance for Congenital hyperammonemia, type I. Last evaluated: 2025-10-06. Review status: criteria provided, single submitter. Criteria: Invitae Variant Classification Sherloc (09022015). Collection method: clinical testing. Allele origin: germline.
Comment: This sequence change falls in intron 24 of the CPS1 gene. It does not directly change the encoded amino acid sequence of the CPS1 protein. It affects a nucleotide within the consensus splice site. This variant is present in population databases (rs745778375, gnomAD 0.0009%). This variant has not been reported in the literature in individuals affected with CPS1-related conditions. ClinVar contains an entry for this variant (Variation ID: 1466726). Variants that disrupt the consensus splice site are a relatively common cause of aberrant splicing (PMID: 17576681, 9536098). Algorithms developed to predict the effect of sequence changes on RNA splicing suggest that this variant is not likely to affect RNA splicing. In summary, the available evidence is currently insufficient to determine the role of this variant in disease. Therefore, it has been classified as a Variant of Uncertain Significance.

Literature cited by the submitters: PubMed 17576681; PubMed 9536098.